The following is an entry in ClinVar:

ClinVar aggregate classification (germline): Uncertain significance. Review status: criteria provided, multiple submitters, no conflicts (2 of 4 stars). 3 submissions from 3 submitters: Uncertain significance (3). Last evaluated 2026-08-27.

Conditions:
Hereditary cancer-predisposing syndrome. Also called: Hereditary Cancer Syndrome; Hereditary neoplastic syndrome; Neoplastic Syndromes, Hereditary; Tumor predisposition. Identifiers: Orphanet 140162, MedGen C0027672, MeSH D009386, MONDO:0015356.
Familial adenomatous polyposis 2. Also called: COLORECTAL ADENOMATOUS POLYPOSIS, AUTOSOMAL RECESSIVE; ADENOMAS, MULTIPLE COLORECTAL, AUTOSOMAL RECESSIVE; MUTYH-associated polyposis; MUTYH-related attenuated familial adenomatous polyposis; MYH-associated polyposis; MUTYH Polyposis. Identifiers: Orphanet 220460, Orphanet 247798, MedGen C3272841, MONDO:0012041, OMIM 608456.

gnomAD v4.1: 1 of 1,613,790 alleles (0.000062%); no homozygotes.

Submissions (3):

Ambry Genetics
Classification: Uncertain significance for Hereditary cancer-predisposing syndrome. Last evaluated: 2026-08-27. Review status: criteria provided, single submitter. Criteria: Ambry Variant Classification Scheme 2023. Collection method: clinical testing. Allele origin: germline.
Comment: The p.P359S variant (also known as c.1075C>T), located in coding exon 12 of the MUTYH gene, results from a C to T substitution at nucleotide position 1075. The proline at codon 359 is replaced by serine, an amino acid with similar properties. In a massively parallel cell-based functional assay testing 7,8-dihydro-8-oxoguanine:adenine (8OG:A) repair activity, a byproduct of oxidative damage, this variant was reported to be functional (Hemker SL et al. Am J Hum Genet, 2025 Sep;112:2010-2026). This amino acid position is highly conserved in available vertebrate species. In addition, this alteration is predicted to be deleterious by in silico analysis. Based on the available evidence, the clinical significance of this variant remains unclear.

Labcorp Genetics (formerly Invitae), Labcorp
Classification: Uncertain significance for Familial adenomatous polyposis 2. Last evaluated: 2025-07-25. Review status: criteria provided, single submitter. Criteria: Invitae Variant Classification Sherloc (09022015). Collection method: clinical testing. Allele origin: germline.
Comment: This sequence change replaces proline, which is neutral and non-polar, with serine, which is neutral and polar, at codon 359 of the MUTYH protein (p.Pro359Ser). This variant is not present in population databases (gnomAD no frequency). This variant has not been reported in the literature in individuals affected with MUTYH-related conditions. ClinVar contains an entry for this variant (Variation ID: 1784711). An algorithm developed to predict the effect of missense changes on protein structure and function (PolyPhen-2) suggests that this variant is likely to be disruptive. In summary, the available evidence is currently insufficient to determine the role of this variant in disease. Therefore, it has been classified as a Variant of Uncertain Significance.

Color Diagnostics, LLC DBA Color Health
Classification: Uncertain significance for Hereditary cancer-predisposing syndrome. Last evaluated: 2024-03-06. Review status: criteria provided, single submitter. Criteria: ACMG Guidelines, 2015. Collection method: clinical testing. Allele origin: germline.
Comment: This missense variant replaces proline with serine at codon 359 of the MUTYH protein. This variant is also known as c.1033C>T (p.Pro345Ser) based on an alternative transcript (NM_001048171). Computational prediction suggests that this variant may have deleterious impact on protein structure and function (internally defined REVEL score threshold >= 0.7, PMID: 27666373). To our knowledge, functional studies have not been reported for this variant. This variant has not been reported in individuals affected with hereditary cancer in the literature. This variant has not been identified in the general population by the Genome Aggregation Database (gnomAD). The available evidence is insufficient to determine the role of this variant in disease conclusively. Therefore, this variant is classified as a Variant of Uncertain Significance.

Literature cited by the submitters: PubMed 40738107 (cited by Ambry Genetics).

NM_001048174.2(MUTYH):c.991C>T (p.Pro331Ser)

Gene: MUTYH (mutY DNA glycosylase; minus strand). Cytogenetic location: 1p34.1.
Variant type: single nucleotide variant.
Coding change: c.991C>T on transcript NM_001048174.2 (MANE Select); coding-DNA position 991, C replaced by T.
Protein change: p.Pro331Ser; replaces proline 331 with serine.
Molecular consequence: missense variant. On other transcripts: non-coding transcript variant (2).
Genome position (GRCh38, 1-based): chr1:45,331,772, G>A on the plus strand (C>T on the coding strand, the complement: MUTYH is on the minus strand). VCF-style: chr1-45331772-G-A. GRCh37 (hg19) VCF-style: chr1-45797444-G-A.
Other names: c.991C>T, p.Pro331Ser (NM_001048171.2, NM_001048173.2, NM_001293195.2 and 6 more transcripts); c.994C>T, p.Pro332Ser (NM_001048172.2, NM_001407071.1, NM_001407078.1 and 1 more transcripts); c.1075C>T, p.Pro359Ser (NM_001128425.2); c.1036C>T, p.Pro346Ser (NM_001293190.2); c.1024C>T, p.Pro342Ser (NM_001293191.2, NM_001407069.1, NM_001407077.1); c.715C>T, p.Pro239Ser (NM_001293192.2, NM_001293196.2, NM_001407091.1); c.646C>T, p.Pro216Ser (NM_001350650.2, NM_001350651.2, NM_001407082.1); c.907C>T, p.Pro303Ser (NM_001407075.1); and 5 more; short protein forms P239S, P303S, P346S, P317S, P332S, P338S, P345S, P356S.
Identifiers: ClinVar variation 1784711 (VCV001784711.9), dbSNP rs587782773, ClinGen allele CA340133663.
Genomic context (GRCh38, chr1:45,331,772, plus strand): 5'-GTTCCAGAACACAGGTGGCAGAGCTCTCCTCCCTGGGGGGCTTGCGGCTGGCCTTTCTGG[G>A]GAAGTTGACCACTCCCAGGGTCTGGTCCCAGGGCTCCGAGGGAGGCAGGCACAGGTGGCA-3'
Protein context (NP_001041639.1, residues 321-341): WDQTLGVVNF[Pro331Ser]RKASRKPPRE